The following is an entry in ClinVar:

NM_000829.4(GRIA4):c.1812T>G (p.Gly604=)

Gene: GRIA4 (glutamate ionotropic receptor AMPA type subunit 4; plus strand). Cytogenetic location: 11q22.3.
Variant type: single nucleotide variant.
Coding change: c.1812T>G on transcript NM_000829.4 (MANE Select); coding-DNA position 1812, T replaced by G.
Protein change: p.Gly604=; no amino-acid change (glycine 604 retained).
Molecular consequence: synonymous variant. On other transcripts: non-coding transcript variant (1).
Genome position (GRCh38, 1-based): chr11:105,924,734, T>G. VCF-style: chr11-105924734-T-G. GRCh37 (hg19) VCF-style: chr11-105795460-T-G.
Other names: c.1812T>G (NM_000829.3); c.1812T>G, p.Gly604= (NM_001077243.3).
Identifiers: ClinVar variation 2642339 (VCV002642339.26), dbSNP rs115601281, ClinGen allele CA6258705.
Genomic context (GRCh38, chr11:105,924,734, plus strand): 5'-ACCCAGCGACCAGCCTCCCAATGAGTTTGGCATCTTTAACAGCCTCTGGTTTTCCCTGGG[T>G]GCTTTTATGCAGCAAGGATGTGACATTTCACCCAGGTTAGTTTCAAATCTCTTAAGTTCT-3'
Protein context (NP_000820.4, residues 594-614): GIFNSLWFSL[Gly604=]AFMQQGCDIS

ClinVar aggregate classification (germline): Likely benign. Review status: criteria provided, multiple submitters, no conflicts (2 of 4 stars). 3 submissions from 3 submitters: Likely benign (2). 1 of the submissions does not count toward it. Last evaluated 2024-11-07.

Conditions:
GRIA4-related disorder. Also called: GRIA4-related condition.

Allele frequency attached by ClinVar (database versions not stated): TOPMed 0.00006; gnomAD exomes 0.00007; ExAC 0.00008; gnomAD 0.00010.
gnomAD v4.1: 116 of 1,611,444 alleles (0.0072%); highest among the groups gnomAD compares: South Asian, 0.026%; no homozygotes.

Submissions (3):

Blueprint Genetics
Classification: Likely benign. Last evaluated: 2024-11-07. Review status: criteria provided, single submitter. Criteria: ACMG Guidelines, 2015. Collection method: clinical testing. Allele origin: germline.

CeGaT Center for Human Genetics Tuebingen
Classification: Likely benign. Last evaluated: 2023-10-01. Review status: criteria provided, single submitter. Criteria: CeGaT Center For Human Genetics Tuebingen Variant Classification Criteria Version 2. Collection method: clinical testing. Allele origin: germline. Affected: yes. Observed: 1 variant allele.
Comment: GRIA4: BP4, BP7

PreventionGenetics, part of Exact Sciences
Classification: Likely benign for GRIA4-related condition. Last evaluated: 2019-10-31. Review status: no assertion criteria provided. Collection method: clinical testing. Allele origin: germline. Not counted in ClinVar's aggregate classification.
Comment: This variant is classified as likely benign based on ACMG/AMP sequence variant interpretation guidelines (Richards et al. 2015 PMID: 25741868, with internal and published modifications).